The following is an entry in ClinVar:

NM_000257.4(MYH7):c.2527G>T (p.Ala843Ser)

Genes: MYH7 (myosin heavy chain 7; minus strand), LOC126861898 (BRD4-independent group 4 enhancer GRCh37_chr14:23893609-23894808; plus strand). Cytogenetic location: 14q11.2.
Variant type: single nucleotide variant.
Coding change: c.2527G>T on transcript NM_000257.4 (MANE Select); coding-DNA position 2527, G replaced by T.
Protein change: p.Ala843Ser; replaces alanine 843 with serine.
Molecular consequence: missense variant.
Genome position (GRCh38, 1-based): chr14:23,424,921, C>A on the plus strand (G>T on the coding strand, the complement: MYH7 is on the minus strand). VCF-style: chr14-23424921-C-A. GRCh37 (hg19) VCF-style: chr14-23894130-C-A.
Other names: c.2527G>T, p.Ala843Ser (NM_001407004.1); short protein forms A843S.
Identifiers: ClinVar variation 3636031 (VCV003636031.2).
Genomic context (GRCh38, chr14:23,424,921, plus strand): 5'-GCGCCTCTTTGAGGCGTGTGAACTCCTCCTTCATGGAGGCCATCTCCTTCTCTCTTTCTG[C>A]ACTCTTCAGCAGCGGCTTGATCTTGAAGTAGAGCTTCATCCAGGGCCAATTCTTGACCCC-3'
Protein context (NP_000248.2, residues 833-853): YFKIKPLLKS[Ala843Ser]EREKEMASMK

ClinVar aggregate classification (germline): Uncertain significance (1 of 4 stars; one submission).

Conditions:
Hypertrophic cardiomyopathy. Also called: HYPERTROPHIC MYOCARDIOPATHY. Identifiers: Orphanet 217569, MedGen C0007194, MeSH D002312, MONDO:0005045, HP:0001639.

Submission:

Labcorp Genetics (formerly Invitae), Labcorp
Classification: Uncertain significance for Hypertrophic cardiomyopathy. Last evaluated: 2024-12-05. Review status: criteria provided, single submitter. Criteria: Invitae Variant Classification Sherloc (09022015). Collection method: clinical testing. Allele origin: germline.
Comment: This sequence change replaces alanine, which is neutral and non-polar, with serine, which is neutral and polar, at codon 843 of the MYH7 protein (p.Ala843Ser). This variant is not present in population databases (gnomAD no frequency). This variant has not been reported in the literature in individuals affected with MYH7-related conditions. Invitae Evidence Modeling of protein sequence and biophysical properties (such as structural, functional, and spatial information, amino acid conservation, physicochemical variation, residue mobility, and thermodynamic stability) indicates that this missense variant is expected to disrupt MYH7 protein function with a positive predictive value of 95%. In summary, the available evidence is currently insufficient to determine the role of this variant in disease. Therefore, it has been classified as a Variant of Uncertain Significance.